The following is an entry in ClinVar:

ClinVar aggregate classification (germline): Uncertain significance. Review status: criteria provided, single submitter (1 of 4 stars). 2 submissions from 2 submitters: Uncertain significance (1). 1 of the submissions does not count toward it. Last evaluated 2022-08-22.

Conditions:
Pseudoxanthoma elasticum, forme fruste. Also called: PSEUDOXANTHOMA ELASTICUM, HETEROZYGOUS; Pseudoxanthoma Elasticum, Incomplete. Identifiers: Orphanet 758, MedGen C1867450, MONDO:0008333, OMIM 177850.
Optic atrophy. Identifiers: MedGen C0029124, MONDO:0003608, HP:0000648.

Allele frequency attached by ClinVar (database versions not stated): gnomAD exomes below 0.00001.
gnomAD v4.1: 5 of 1,613,826 alleles (0.00031%); highest among the groups gnomAD compares: Middle Eastern, 0.033%; no homozygotes.

Submissions (2):

MGZ Medical Genetics Center
Classification: Uncertain significance for Pseudoxanthoma elasticum, forme fruste. Last evaluated: 2022-08-22. Review status: criteria provided, single submitter. Criteria: ACMG Guidelines, 2015. Collection method: clinical testing. Allele origin: germline. Affected: yes. Observed: 1 variant allele.
Comment: ACMG criteria applied: PM2_SUP, BP4

Institute of Human Genetics, Univ. Regensburg, Univ. Regensburg
Classification: Uncertain significance for Optic atrophy. Last evaluated: 2023-01-01. Review status: no assertion criteria provided. Criteria: ACMG Guidelines, 2015. Collection method: clinical testing. Allele origin: germline. Affected: yes. Not counted in ClinVar's aggregate classification.

NM_001171.6(ABCC6):c.148A>G (p.Ile50Val)

Gene: ABCC6 (ATP binding cassette subfamily C member 6; minus strand). Cytogenetic location: 16p13.11.
Variant type: single nucleotide variant.
Coding change: c.148A>G on transcript NM_001171.6 (MANE Select); coding-DNA position 148, A replaced by G.
Protein change: p.Ile50Val; replaces isoleucine 50 with valine.
Molecular consequence: missense variant. On other transcripts: 5 prime UTR variant (1), non-coding transcript variant (1).
Genome position (GRCh38, 1-based): chr16:16,221,720, T>C on the plus strand (A>G on the coding strand, the complement: ABCC6 is on the minus strand). VCF-style: chr16-16221720-T-C. GRCh37 (hg19) VCF-style: chr16-16315577-T-C.
Other names: c.148A>G, p.Ile50Val (NM_001079528.4); c.-226A>G (NM_001351800.1); short protein forms I50V.
Identifiers: ClinVar variation 1709751 (VCV001709751.3), dbSNP rs1334507946, ClinGen allele CA395202401.